The following is an entry in ClinVar:

NM_021254.4(CFAP298):c.674A>G (p.Gln225Arg)

Genes: CFAP298 (cilia and flagella associated protein 298; minus strand), CFAP298-TCP10L (CFAP298-TCP10L readthrough; minus strand). Cytogenetic location: 21q22.11.
Variant type: single nucleotide variant.
Coding change: c.674A>G on transcript NM_021254.4 (MANE Select); coding-DNA position 674, A replaced by G.
Protein change: p.Gln225Arg; replaces glutamine 225 with arginine.
Molecular consequence: missense variant. On other transcripts: 3 prime UTR variant (1), intron variant (2).
Genome position (GRCh38, 1-based): chr21:32,602,360, T>C on the plus strand (A>G on the coding strand, the complement: CFAP298 is on the minus strand). VCF-style: chr21-32602360-T-C. GRCh37 (hg19) VCF-style: chr21-33974670-T-C.
Other names: c.377A>G, p.Gln126Arg (NM_001350334.2); c.*729A>G (NM_001350335.2); c.674A>G, p.Gln225Arg (NM_001350337.2); c.666+801A>G (NM_001350338.2); c.667-387A>G (NM_001350336.2); short protein forms Q126R, Q225R.
Identifiers: ClinVar variation 848450 (VCV000848450.19), dbSNP rs374753522, ClinGen allele CA10002754.
Genomic context (GRCh38, chr21:32,602,360, plus strand): 5'-TACAGCATCAGCTGCTTCTGCTCCTCACTGCTAATAATAGGCTCTCGGGCTGGAGCTCCC[T>C]GTCCCCTCTGCAAAGAGGAGAGCAGAGCAAATTGTGGATTAAGGTGTTCTTAGAGTGACA-3'
Protein context (NP_067077.1, residues 215-235): KIIAKIQQRG[Gln225Arg]GAPAREPIIS

ClinVar aggregate classification (germline): Uncertain significance. Review status: criteria provided, multiple submitters, no conflicts (2 of 4 stars). 5 submissions from 5 submitters: Uncertain significance (5). Last evaluated 2025-05-27.

Conditions:
Inborn genetic diseases. Identifiers: MedGen C0950123, MeSH D030342.

Allele frequency attached by ClinVar (database versions not stated): ExAC 0.00002; gnomAD exomes 0.00002; TOPMed 0.00012; gnomAD 0.00014 and 0.00015; ESP Exome Variant Server 0.00023.
gnomAD v4.1: 52 of 1,613,018 alleles (0.0032%); highest among the groups gnomAD compares: African/African-American, 0.057%; no homozygotes.

Submissions (5):

Labcorp Genetics (formerly Invitae), Labcorp
Classification: Uncertain significance. Last evaluated: 2025-05-27. Review status: criteria provided, single submitter. Criteria: Invitae Variant Classification Sherloc (09022015). Collection method: clinical testing. Allele origin: germline.
Comment: This sequence change replaces glutamine, which is neutral and polar, with arginine, which is basic and polar, at codon 225 of the CFAP298 protein (p.Gln225Arg). This variant is present in population databases (rs374753522, gnomAD 0.05%). This variant has not been reported in the literature in individuals affected with CFAP298-related conditions. ClinVar contains an entry for this variant (Variation ID: 848450). An algorithm developed to predict the effect of missense changes on protein structure and function (PolyPhen-2) suggests that this variant is likely to be disruptive. In summary, the available evidence is currently insufficient to determine the role of this variant in disease. Therefore, it has been classified as a Variant of Uncertain Significance.

GeneDx
Classification: Uncertain significance. Last evaluated: 2024-10-21. Review status: criteria provided, single submitter. Criteria: GeneDx Variant Classification Process June 2021. Collection method: clinical testing. Allele origin: germline. Affected: yes.
Comment: In silico analysis indicates that this missense variant does not alter protein structure/function; Has not been previously published as pathogenic or benign to our knowledge

Ambry Genetics
Classification: Uncertain significance for Inborn genetic diseases. Last evaluated: 2021-09-14. Review status: criteria provided, single submitter. Criteria: Ambry Variant Classification Scheme 2023. Collection method: clinical testing. Allele origin: germline.

ARUP Laboratories, Molecular Genetics and Genomics, ARUP Laboratories
Classification: Uncertain significance. Last evaluated: 2020-02-14. Review status: criteria provided, single submitter. Criteria: ARUP Molecular Germline Variant Investigation Process. Collection method: clinical testing. Allele origin: germline.

Breakthrough Genomics
Classification: Uncertain significance. Review status: criteria provided, single submitter. Criteria: ACMG Guidelines, 2015. Collection method: not provided. Allele origin: germline. Inheritance: Autosomal dominant inheritance. Affected: yes.